The following is an entry in ClinVar:

NM_018451.5(CPAP):c.2140A>G (p.Ile714Val)

Gene: CPAP (centrosome assembly and centriole elongation protein; minus strand). Cytogenetic location: 13q12.13.
Variant type: single nucleotide variant.
Coding change: c.2140A>G on transcript NM_018451.5 (MANE Select); coding-DNA position 2140, A replaced by G.
Protein change: p.Ile714Val; replaces isoleucine 714 with valine.
Molecular consequence: missense variant. On other transcripts: non-coding transcript variant (2).
Genome position (GRCh38, 1-based): chr13:24,905,898, T>C on the plus strand (A>G on the coding strand, the complement: CPAP is on the minus strand). VCF-style: chr13-24905898-T-C. GRCh37 (hg19) VCF-style: chr13-25480036-T-C.
Other names: short protein forms I714V.
Identifiers: ClinVar variation 2684164 (VCV002684164.1), dbSNP rs1272909899, ClinGen allele CA387585687.
Genomic context (GRCh38, chr13:24,905,898, plus strand): 5'-CTTGTGGGCTATCCTCTCTGCTGCTGATGCCCCTCTCTCTATCCTCAGTCGATGGTTTTA[T>C]GGTAACATCAAGCTGTTCCTCAGAGTCAGTGCTACTGTCACTATTTGGAACACCTTCATC-3'
Protein context (NP_060921.3, residues 704-724): TDSEEQLDVT[Ile714Val]KPSTEDRERG

ClinVar aggregate classification (germline): Uncertain significance (1 of 4 stars; one submission).

Allele frequency attached by ClinVar (database versions not stated): TOPMed below 0.00001; gnomAD 0.00001; gnomAD exomes 0.00001.
gnomAD v4.1: 14 of 1,614,096 alleles (0.00087%); highest among the groups gnomAD compares: Non-Finnish European, 0.0011%; no homozygotes.

Submission:

Athena Diagnostics
Classification: Uncertain significance. Last evaluated: 2022-12-23. Review status: criteria provided, single submitter. Criteria: Athena Diagnostics Criteria. Collection method: clinical testing. Allele origin: unknown.
Comment: Available data are insufficient to determine the clinical significance of the variant at this time. The frequency of this variant in the general population is uninformative in assessment of its pathogenicity. Computational tools predict that this variant is not damaging.